The following is an entry in ClinVar:

NM_000090.4(COL3A1):c.3430C>T (p.Pro1144Ser)

Gene: COL3A1 (collagen type III alpha 1 chain; plus strand). Cytogenetic location: 2q32.2.
Variant type: single nucleotide variant.
Coding change: c.3430C>T on transcript NM_000090.4 (MANE Select); coding-DNA position 3430, C replaced by T.
Protein change: p.Pro1144Ser; replaces proline 1144 with serine.
Molecular consequence: missense variant.
Genome position (GRCh38, 1-based): chr2:189,008,047, C>T. VCF-style: chr2-189008047-C-T. GRCh37 (hg19) VCF-style: chr2-189872773-C-T.
Other names: short protein forms P1144S.
Identifiers: ClinVar variation 922721 (VCV000922721.9), dbSNP rs748793822, ClinGen allele CA076125.

ClinVar aggregate classification (germline): Uncertain significance. Review status: criteria provided, multiple submitters, no conflicts (2 of 4 stars). 5 submissions from 5 submitters: Uncertain significance (5). Last evaluated 2025-05-02.

Conditions:
Familial thoracic aortic aneurysm and aortic dissection (TAAD). Also called: Thoracic aortic aneurysms and dissections. Identifiers: Orphanet 91387, MedGen C4707243, MONDO:0019625.
Ehlers-Danlos syndrome, type 4 (EDSVASC). Also called: Ehlers-Danlos Syndrome Type IV; Ehlers-Danlos syndrome vascular type; Ehlers Danlos syndrome, ecchymotic type; Ehlers Danlos syndrome, arterial type; Ehlers Danlos syndrome, Sack-Barabas type. Identifiers: Orphanet 286, MedGen C0268338, MONDO:0017314, OMIM 130050.

Allele frequency attached by ClinVar (database versions not stated): gnomAD exomes below 0.00001; ExAC 0.00001; gnomAD 0.00001; TOPMed 0.00001.
gnomAD v4.1: 5 of 1,613,908 alleles (0.00031%); highest among the groups gnomAD compares: Admixed American, 0.0033%; no homozygotes.

Submissions (5):

Ambry Genetics
Classification: Uncertain significance for Familial thoracic aortic aneurysm and aortic dissection. Last evaluated: 2025-05-02. Review status: criteria provided, single submitter. Criteria: Ambry Variant Classification Scheme 2023. Collection method: clinical testing. Allele origin: germline.

GeneDx
Classification: Uncertain significance. Last evaluated: 2025-04-14. Review status: criteria provided, single submitter. Criteria: GeneDx Variant Classification Process June 2021. Collection method: clinical testing. Allele origin: germline. Affected: yes.
Comment: Has not been reported in individuals with vascular Ehlers-Danlos syndrome (vEDS) to the best of our knowledge in published literature; Not observed at significant frequency in large population cohorts (gnomAD); In silico analysis supports that this missense variant has a deleterious effect on protein structure/function; Occurs in the triple helical domain at the X/ position in the canonical Gly-X-Y repeat; although this variant may have an effect on normal protein folding and function, missense substitution at the X position is not a common mechanism of disease (HGMD); This variant is associated with the following publications: (PMID: 28748566)

Labcorp Genetics (formerly Invitae), Labcorp
Classification: Uncertain significance for Ehlers-Danlos syndrome, type 4. Last evaluated: 2024-09-16. Review status: criteria provided, single submitter. Criteria: Invitae Variant Classification Sherloc (09022015). Collection method: clinical testing. Allele origin: germline.
Comment: This sequence change replaces proline, which is neutral and non-polar, with serine, which is neutral and polar, at codon 1144 of the COL3A1 protein (p.Pro1144Ser). This variant is present in population databases (rs748793822, gnomAD 0.004%). This variant has not been reported in the literature in individuals affected with COL3A1-related conditions. ClinVar contains an entry for this variant (Variation ID: 922721). Invitae Evidence Modeling of protein sequence and biophysical properties (such as structural, functional, and spatial information, amino acid conservation, physicochemical variation, residue mobility, and thermodynamic stability) indicates that this missense variant is not expected to disrupt COL3A1 protein function with a negative predictive value of 95%. In summary, the available evidence is currently insufficient to determine the role of this variant in disease. Therefore, it has been classified as a Variant of Uncertain Significance.

All of Us Research Program, National Institutes of Health
Classification: Uncertain significance for Ehlers-Danlos syndrome, type 4. Last evaluated: 2023-07-19. Review status: criteria provided, single submitter. Criteria: ACMG Guidelines, 2015. Collection method: clinical testing. Allele origin: germline. Inheritance: Autosomal dominant inheritance. Observed: 1 variant allele, 1 heterozygote.
Comment: This missense variant replaces proline with serine at codon 1144 of the COL3A1 protein. Computational prediction suggests that this variant may not impact protein structure and function (internally defined REVEL score threshold <= 0.5, PMID: 27666373). To our knowledge, functional studies have not been reported for this variant. This variant has been reported in an individual suspected of having inherited bleeding disorder (PMID: 28748566). This variant has been identified in 2/282428 chromosomes in the general population by the Genome Aggregation Database (gnomAD). The available evidence is insufficient to determine the role of this variant in disease conclusively. Therefore, this variant is classified as a Variant of Uncertain Significance.

This study involves interpretation of variants in research participants for the purpose of population health screening. Participant phenotype was not available at the time of variant classification. Additional details can be found in publication PMID: 35346344, PMCID: PMC8962531

Color Diagnostics, LLC DBA Color Health
Classification: Uncertain significance for Familial thoracic aortic aneurysm and aortic dissection. Last evaluated: 2023-07-07. Review status: criteria provided, single submitter. Criteria: ACMG Guidelines, 2015. Collection method: clinical testing. Allele origin: germline.
Comment: This missense variant replaces proline with serine at codon 1144 of the COL3A1 protein. Computational prediction suggests that this variant may not impact protein structure and function (internally defined REVEL score threshold <= 0.5, PMID: 27666373). To our knowledge, functional studies have not been reported for this variant. This variant has been reported in an individual suspected of having inherited bleeding disorder (PMID: 28748566). This variant has been identified in 2/282428 chromosomes in the general population by the Genome Aggregation Database (gnomAD). The available evidence is insufficient to determine the role of this variant in disease conclusively. Therefore, this variant is classified as a Variant of Uncertain Significance.

Literature cited by the submitters: PubMed 28748566 (cited by 3 submitters).